The following is an entry in ClinVar:

ClinVar aggregate classification (germline): Uncertain significance. Review status: criteria provided, multiple submitters, no conflicts (2 of 4 stars). 2 submissions from 2 submitters: Uncertain significance (2). Last evaluated 2025-06-18.

Conditions:
Hereditary cancer-predisposing syndrome. Also called: Neoplastic Syndromes, Hereditary; Tumor predisposition; Hereditary Cancer Syndrome; Hereditary neoplastic syndrome. Identifiers: Orphanet 140162, MedGen C0027672, MeSH D009386, MONDO:0015356.
Familial adenomatous polyposis 1 (FAP1). Also called: FAMILIAL ADENOMATOUS POLYPOSIS 1, ATTENUATED; POLYPOSIS, ADENOMATOUS INTESTINAL. Identifiers: MedGen C2713442, MONDO:0021056, OMIM 175100. Disease mechanism: loss of function.

Submissions (2):

Ambry Genetics
Classification: Uncertain significance for Hereditary cancer-predisposing syndrome. Last evaluated: 2025-06-18. Review status: criteria provided, single submitter. Criteria: Ambry Variant Classification Scheme 2023. Collection method: clinical testing. Allele origin: germline.
Comment: The p.M573T variant (also known as c.1718T>C), located in coding exon 13 of the APC gene, results from a T to C substitution at nucleotide position 1718. The methionine at codon 573 is replaced by threonine, an amino acid with similar properties. This amino acid position is well conserved in available vertebrate species. In addition, in silico predictors for this gene do not accurately predict pathogenicity. Missense alterations in APC are not a common cause of disease (Spier I et al. Genet Med. 2024 Feb;26(2):100992). Since supporting evidence is limited at this time, the clinical significance of this alteration remains unclear.

Labcorp Genetics (formerly Invitae), Labcorp
Classification: Uncertain significance for Familial adenomatous polyposis 1. Last evaluated: 2024-06-04. Review status: criteria provided, single submitter. Criteria: Invitae Variant Classification Sherloc (09022015). Collection method: clinical testing. Allele origin: germline.
Comment: This sequence change replaces methionine, which is neutral and non-polar, with threonine, which is neutral and polar, at codon 573 of the APC protein (p.Met573Thr). This variant is not present in population databases (gnomAD no frequency). This variant has not been reported in the literature in individuals affected with APC-related conditions. ClinVar contains an entry for this variant (Variation ID: 1778673). Advanced modeling of protein sequence and biophysical properties (such as structural, functional, and spatial information, amino acid conservation, physicochemical variation, residue mobility, and thermodynamic stability) performed at Invitae indicates that this missense variant is not expected to disrupt APC protein function with a negative predictive value of 95%. In summary, the available evidence is currently insufficient to determine the role of this variant in disease. Therefore, it has been classified as a Variant of Uncertain Significance.

NM_000038.6(APC):c.1718T>C (p.Met573Thr)

Gene: APC (APC regulator of Wnt signaling pathway; plus strand). Cytogenetic location: 5q22.2.
Variant type: single nucleotide variant.
Coding change: c.1718T>C on transcript NM_000038.6 (MANE Select); coding-DNA position 1718, T replaced by C.
Protein change: p.Met573Thr; replaces methionine 573 with threonine.
Molecular consequence: missense variant.
Genome position (GRCh38, 1-based): chr5:112,828,947, T>C. VCF-style: chr5-112828947-T-C. GRCh37 (hg19) VCF-style: chr5-112164644-T-C.
Other names: c.1718T>C, p.Met573Thr (NM_001127510.3, NM_001354895.2, NM_001407450.1); c.1664T>C, p.Met555Thr (NM_001127511.3); c.1772T>C, p.Met591Thr (NM_001354896.2, NM_001407447.1, NM_001407448.1 and 1 more transcripts); c.1748T>C, p.Met583Thr (NM_001354897.2); c.1643T>C, p.Met548Thr (NM_001354898.2); c.1634T>C, p.Met545Thr (NM_001354899.2); c.1595T>C, p.Met532Thr (NM_001354900.2); c.1541T>C, p.Met514Thr (NM_001354901.2, NM_001407453.1); and 11 more; short protein forms M189T, M444T, M472T, M591T, M290T, M447T, M490T, M532T.
Identifiers: ClinVar variation 1778673 (VCV001778673.5), dbSNP rs2149818182, ClinGen allele CA16025062.